The following is an entry in ClinVar:

NM_005883.3(APC2):c.4243C>G (p.Pro1415Ala)

Gene: APC2 (APC regulator of Wnt signaling pathway 2; plus strand). Cytogenetic location: 19p13.3.
Variant type: single nucleotide variant.
Coding change: c.4243C>G on transcript NM_005883.3 (MANE Select); coding-DNA position 4243, C replaced by G.
Protein change: p.Pro1415Ala; replaces proline 1415 with alanine.
Molecular consequence: missense variant.
Genome position (GRCh38, 1-based): chr19:1,467,544, C>G. VCF-style: chr19-1467544-C-G. GRCh37 (hg19) VCF-style: chr19-1467543-C-G.
Other names: c.4240C>G, p.Pro1414Ala (NM_001351273.1); short protein forms P1414A, P1415A.
Identifiers: ClinVar variation 726073 (VCV000726073.11), dbSNP rs770054793, ClinGen allele CA9045795.

ClinVar aggregate classification (germline): Likely benign. Review status: criteria provided, multiple submitters, no conflicts (2 of 4 stars). 3 submissions from 3 submitters: Likely benign (2). 1 of the submissions does not count toward it. Last evaluated 2026-01-25.

Conditions:
APC2-related disorder. Also called: APC2-Related Disorders; APC2-related condition.

Allele frequency attached by ClinVar (database versions not stated): ExAC below 0.00001; gnomAD exomes 0.00013 and 0.00124; gnomAD 0.00014 and 0.00015; 1000 Genomes Project 30x 0.00016; TOPMed 0.00052.
gnomAD v4.1: 190 of 1,503,252 alleles (0.013%); highest among the groups gnomAD compares: Admixed American, 0.37%; no homozygotes.

Submissions (3):

Labcorp Genetics (formerly Invitae), Labcorp
Classification: Likely benign. Last evaluated: 2026-01-25. Review status: criteria provided, single submitter. Criteria: Invitae Variant Classification Sherloc (09022015). Collection method: clinical testing. Allele origin: germline.

Breakthrough Genomics
Classification: Likely benign. Review status: criteria provided, single submitter. Criteria: ACMG Guidelines, 2015. Collection method: not provided. Allele origin: germline. Inheritance: Autosomal recessive inheritance. Affected: yes.

PreventionGenetics, part of Exact Sciences
Classification: Likely benign for APC2-related condition. Last evaluated: 2023-01-28. Review status: no assertion criteria provided. Collection method: clinical testing. Allele origin: germline. Not counted in ClinVar's aggregate classification.
Comment: This variant is classified as likely benign based on ACMG/AMP sequence variant interpretation guidelines (Richards et al. 2015 PMID: 25741868, with internal and published modifications).